The following is an entry in ClinVar:

ClinVar aggregate classification (germline): Uncertain significance. Review status: criteria provided, multiple submitters, no conflicts (2 of 4 stars). 2 submissions from 2 submitters: Uncertain significance (2). Last evaluated 2025-07-16.

Conditions:
Hereditary spherocytosis type 2. Also called: SPHEROCYTOSIS, TYPE 2, AUTOSOMAL DOMINANT. Identifiers: Orphanet 822, MedGen C2674219, MONDO:0000913, OMIM 616649.

Allele frequency attached by ClinVar (database versions not stated): gnomAD exomes 0.00001 and 0.00004; ExAC 0.00006; TOPMed 0.00014; gnomAD 0.00015 and 0.00016; 1000 Genomes Project 0.00020; 1000 Genomes Project 30x 0.00031; ESP Exome Variant Server 0.00031.
gnomAD v4.1: 44 of 1,614,136 alleles (0.0027%); highest among the groups gnomAD compares: African/African-American, 0.04%; no homozygotes.

Submissions (2):

Labcorp Genetics (formerly Invitae), Labcorp
Classification: Uncertain significance. Last evaluated: 2025-07-16. Review status: criteria provided, single submitter. Criteria: Invitae Variant Classification Sherloc (09022015). Collection method: clinical testing. Allele origin: germline.
Comment: This sequence change replaces glycine, which is neutral and non-polar, with arginine, which is basic and polar, at codon 1894 of the SPTB protein (p.Gly1894Arg). This variant is present in population databases (rs116677071, gnomAD 0.05%). This variant has not been reported in the literature in individuals affected with SPTB-related conditions. ClinVar contains an entry for this variant (Variation ID: 1702974). An algorithm developed to predict the effect of missense changes on protein structure and function (PolyPhen-2) suggests that this variant is likely to be disruptive. In summary, the available evidence is currently insufficient to determine the role of this variant in disease. Therefore, it has been classified as a Variant of Uncertain Significance.

Daryl Scott Lab, Baylor College of Medicine
Classification: Uncertain significance for Hereditary spherocytosis type 2. Last evaluated: 2022-08-22. Review status: criteria provided, single submitter. Criteria: ACMG Guidelines, 2015. Collection method: clinical testing. Allele origin: unknown. Observed: 1 variant allele, 1 heterozygote.

Literature cited by the submitters: PubMed 36135330 (cited by Daryl Scott Lab, Baylor College of Medicine).

NM_001355436.2(SPTB):c.5680G>A (p.Gly1894Arg)

Gene: SPTB (spectrin beta, erythrocytic; minus strand). Cytogenetic location: 14q23.3.
Variant type: single nucleotide variant.
Coding change: c.5680G>A on transcript NM_001355436.2 (MANE Select); coding-DNA position 5680, G replaced by A.
Protein change: p.Gly1894Arg; replaces glycine 1894 with arginine.
Molecular consequence: missense variant.
Genome position (GRCh38, 1-based): chr14:64,771,003, C>T on the plus strand (G>A on the coding strand, the complement: SPTB is on the minus strand). VCF-style: chr14-64771003-C-T. GRCh37 (hg19) VCF-style: chr14-65237721-C-T.
Other names: c.5680G>A, p.Gly1894Arg (NM_001024858.4, NM_001355437.2); short protein forms G1894R.
Identifiers: ClinVar variation 1702974 (VCV001702974.2), dbSNP rs116677071, ClinGen allele CA7229894.